The following is an entry in ClinVar:

ClinVar aggregate classification (germline): Uncertain significance (1 of 4 stars; one submission).

Submission:

Women's Health and Genetics/Laboratory Corporation of America, LabCorp
Classification: Uncertain significance. Last evaluated: 2024-11-26. Review status: criteria provided, single submitter. Criteria: LabCorp Variant Classification Summary - May 2015. Collection method: clinical testing. Allele origin: germline.
Comment: Variant summary: The variant involves the duplication of exons 1-4 in the BAG3 gene. A presumed nomenclature of c.(?_-297)_(*538_?)dup has been designated for the purposes of this classification. This duplication includes the entire coding sequence of the gene. As exact breakpoints are unknown, it may extend beyond the annotated region of the gene, to include other flanking genes. The variant was absent in 21432 control chromosomes. The available data on variant occurrences in the general population are insufficient to allow any conclusion about variant significance. To our knowledge, no occurrence of c.(?_-297)_(*538_?)dup in individuals affected with Dilated Cardiomyopathy and no experimental evidence demonstrating its impact on protein function have been reported. ClinVar contains an entry for this variant (Variation ID: 539169). Based on the evidence outlined above, the variant was classified as uncertain significance.

NC_000010.10:g.(?_121410891)_(121437332_?)dup

Gene: BAG3 (BAG cochaperone 3; plus strand). Cytogenetic location: 10q26.11.
Variant type: Duplication.
Identifiers: ClinVar variation 3629558 (VCV003629558.2).